The following is an entry in ClinVar:

NM_001142864.4(PIEZO1):c.4879G>A (p.Asp1627Asn)

Gene: PIEZO1 (piezo type mechanosensitive ion channel component 1 (Er blood group); minus strand). Cytogenetic location: 16q24.3.
Variant type: single nucleotide variant.
Coding change: c.4879G>A on transcript NM_001142864.4 (MANE Select); coding-DNA position 4879, G replaced by A.
Protein change: p.Asp1627Asn; replaces aspartic acid 1627 with asparagine.
Molecular consequence: missense variant.
Genome position (GRCh38, 1-based): chr16:88,722,294, C>T on the plus strand (G>A on the coding strand, the complement: PIEZO1 is on the minus strand). VCF-style: chr16-88722294-C-T. GRCh37 (hg19) VCF-style: chr16-88788702-C-T.
Other names: c.3421G>A, p.Asp1141Asn (NM_014745.1); c.4879G>A (NM_001142864.3); short protein forms D1141N, D1627N.
Identifiers: ClinVar variation 2204479 (VCV002204479.6), dbSNP rs976872648, ClinGen allele CA286409751.

ClinVar aggregate classification (germline): Uncertain significance. Review status: criteria provided, multiple submitters, no conflicts (2 of 4 stars). 3 submissions from 3 submitters: Uncertain significance (3). Last evaluated 2025-07-15.

Conditions:
Inborn genetic diseases. Identifiers: MedGen C0950123, MeSH D030342.
PIEZO1-related disorder. Also called: PIEZO1-related condition; PIEZO1-Related Disorders.

Allele frequency attached by ClinVar (database versions not stated): gnomAD 0.00009; TOPMed 0.00010.
gnomAD v4.1: 83 of 1,548,326 alleles (0.0054%); highest among the groups gnomAD compares: Admixed American, 0.014%; no homozygotes.

Submissions (3):

PreventionGenetics, part of Exact Sciences
Classification: Uncertain significance for PIEZO1-related condition. Last evaluated: 2025-07-15. Review status: criteria provided, single submitter. Criteria: ACMG Guidelines, 2015. Collection method: clinical testing. Allele origin: germline.
Comment: The PIEZO1 c.4879G>A variant is predicted to result in the amino acid substitution p.Asp1627Asn. To our knowledge, this variant has not been reported in the literature. This variant is reported in 0.016% of alleles in individuals of East Asian descent in gnomAD. At this time, the clinical significance of this variant is uncertain due to the absence of conclusive functional and genetic evidence.

Revvity Omics, Revvity
Classification: Uncertain significance. Last evaluated: 2024-07-02. Review status: criteria provided, single submitter. Criteria: ACMG Guidelines, 2015. Collection method: clinical testing. Allele origin: germline.

Ambry Genetics
Classification: Uncertain significance for Inborn genetic diseases. Last evaluated: 2021-09-17. Review status: criteria provided, single submitter. Criteria: Ambry Variant Classification Scheme 2023. Collection method: clinical testing. Allele origin: germline.